The following is an entry in ClinVar:

NM_213599.3(ANO5):c.478C>T (p.Arg160Cys)

Gene: ANO5 (anoctamin 5; plus strand). Cytogenetic location: 11p14.3.
Variant type: single nucleotide variant.
Coding change: c.478C>T on transcript NM_213599.3 (MANE Select); coding-DNA position 478, C replaced by T.
Protein change: p.Arg160Cys; replaces arginine 160 with cysteine.
Molecular consequence: missense variant.
Genome position (GRCh38, 1-based): chr11:22,227,416, C>T. VCF-style: chr11-22227416-C-T. GRCh37 (hg19) VCF-style: chr11-22248962-C-T.
Other names: c.475C>T, p.Arg159Cys (NM_001142649.2); short protein forms R160C, R159C.
Identifiers: ClinVar variation 501968 (VCV000501968.19), dbSNP rs200531045, ClinGen allele CA5922934.

ClinVar aggregate classification (germline): Uncertain significance. Review status: criteria provided, multiple submitters, no conflicts (2 of 4 stars). 6 submissions from 6 submitters: Uncertain significance (5). 1 of the submissions does not count toward it. Last evaluated 2025-07-17.

Conditions:
Intellectual disability. Also called: Intellectual developmental disorder; intellectual disabilities; Intellectual functioning disability. Identifiers: MedGen C3714756, MeSH D008607, MONDO:0001071, HP:0001249.
Autosomal recessive limb-girdle muscular dystrophy type 2L (LGMDR12). Also called: Limb-Girdle Muscular Dystrophy R12 Anoctamin-5-Related (LGMD-R12); Limb-girdle muscular dystrophy, type 2L; MUSCULAR DYSTROPHY, LIMB-GIRDLE, AUTOSOMAL RECESSIVE 12. Identifiers: Orphanet 206549, MedGen C1969785, MONDO:0012652, OMIM 611307.
Gnathodiaphyseal dysplasia (GDD). Also called: GNATHODIAPHYSEAL SCLEROSIS; OSTEOGENESIS IMPERFECTA WITH UNUSUAL SKELETAL LESIONS. Identifiers: Orphanet 53697, MedGen C1833736, MONDO:0008151, OMIM 166260.

Allele frequency attached by ClinVar (database versions not stated): ExAC 0.00003; gnomAD exomes 0.00003; gnomAD 0.00009 and 0.00010; TOPMed 0.00009; ESP Exome Variant Server 0.00023.
gnomAD v4.1: 62 of 1,613,306 alleles (0.0038%); highest among the groups gnomAD compares: African/African-American, 0.051%; no homozygotes.

Submissions (6):

Labcorp Genetics (formerly Invitae), Labcorp
Classification: Uncertain significance for Autosomal recessive limb-girdle muscular dystrophy type 2L; Gnathodiaphyseal dysplasia. Last evaluated: 2025-07-17. Review status: criteria provided, single submitter. Criteria: Invitae Variant Classification Sherloc (09022015). Collection method: clinical testing. Allele origin: germline.
Comment: This sequence change replaces arginine, which is basic and polar, with cysteine, which is neutral and slightly polar, at codon 160 of the ANO5 protein (p.Arg160Cys). This variant is present in population databases (rs200531045, gnomAD 0.04%). This variant has not been reported in the literature in individuals affected with ANO5-related conditions. ClinVar contains an entry for this variant (Variation ID: 501968). Invitae Evidence Modeling of protein sequence and biophysical properties (such as structural, functional, and spatial information, amino acid conservation, physicochemical variation, residue mobility, and thermodynamic stability) has been performed for this missense variant. However, the output from this modeling did not meet the statistical confidence thresholds required to predict the impact of this variant on ANO5 protein function. In summary, the available evidence is currently insufficient to determine the role of this variant in disease. Therefore, it has been classified as a Variant of Uncertain Significance.

Blueprint Genetics
Classification: Uncertain significance. Last evaluated: 2024-04-16. Review status: criteria provided, single submitter. Criteria: ACMG Guidelines, 2015. Collection method: clinical testing. Allele origin: germline.

Revvity Omics, Revvity
Classification: Uncertain significance. Last evaluated: 2023-12-12. Review status: criteria provided, single submitter. Criteria: ACMG Guidelines, 2015. Collection method: clinical testing. Allele origin: germline.

GeneDx
Classification: Uncertain significance. Last evaluated: 2019-12-26. Review status: criteria provided, single submitter. Criteria: GeneDx Variant Classification Process June 2021. Collection method: clinical testing. Allele origin: germline. Affected: yes.
Comment: In silico analysis, which includes protein predictors and evolutionary conservation, supports a deleterious effect; Has not been previously published as pathogenic or benign to our knowledge

Eurofins Ntd Llc (ga)
Classification: Uncertain significance. Last evaluated: 2017-05-18. Review status: criteria provided, single submitter. Criteria: EGL Classification Definitions 2015. Collection method: clinical testing. Allele origin: germline. Observed: 1 variant allele, 1 heterozygote.

Centre de Biologie Pathologie Génétique, Centre Hospitalier Universitaire de Lille
Classification: Likely benign for Intellectual disability. Last evaluated: 2019-01-01. Review status: no assertion criteria provided. Collection method: clinical testing. Allele origin: inherited. Affected: yes. Not counted in ClinVar's aggregate classification.